The following is an entry in ClinVar:

NM_006343.3(MERTK):c.601A>G (p.Lys201Glu)

Gene: MERTK (MER proto-oncogene, tyrosine kinase; plus strand). Cytogenetic location: 2q13.
Variant type: single nucleotide variant.
Coding change: c.601A>G on transcript NM_006343.3 (MANE Select); coding-DNA position 601, A replaced by G.
Protein change: p.Lys201Glu; replaces lysine 201 with glutamic acid.
Molecular consequence: missense variant.
Genome position (GRCh38, 1-based): chr2:111,947,411, A>G. VCF-style: chr2-111947411-A-G. GRCh37 (hg19) VCF-style: chr2-112704988-A-G.
Other names: short protein forms K201E.
Identifiers: ClinVar variation 2116642 (VCV002116642.4), dbSNP rs2466781080, ClinGen allele CA348228983.
Genomic context (GRCh38, chr2:111,947,411, plus strand): 5'-TTTCAGATCTGAAACATTCTTTTGTGTAACGTTTTCTCCGCAGGACTTCCTCACTTTACT[A>G]AGCAGCCTGAGAGCATGAATGTCACCAGAAACACAGCCTTCAACCTCACCTGTCAGGCTG-3'
Protein context (NP_006334.2, residues 191-211): IEVQGLPHFT[Lys201Glu]QPESMNVTRN

ClinVar aggregate classification (germline): Uncertain significance (1 of 4 stars; one submission).

Submission:

Labcorp Genetics (formerly Invitae), Labcorp
Classification: Uncertain significance. Last evaluated: 2022-09-07. Review status: criteria provided, single submitter. Criteria: Invitae Variant Classification Sherloc (09022015). Collection method: clinical testing. Allele origin: germline.
Comment: In summary, the available evidence is currently insufficient to determine the role of this variant in disease. Therefore, it has been classified as a Variant of Uncertain Significance. Algorithms developed to predict the effect of missense changes on protein structure and function are either unavailable or do not agree on the potential impact of this missense change (SIFT: "Deleterious"; PolyPhen-2: "Benign"; Align-GVGD: "Class C15"). This variant has not been reported in the literature in individuals affected with MERTK-related conditions. This variant is not present in population databases (gnomAD no frequency). This sequence change replaces lysine, which is basic and polar, with glutamic acid, which is acidic and polar, at codon 201 of the MERTK protein (p.Lys201Glu).